The following is an entry in ClinVar:

ClinVar aggregate classification (germline): Likely benign (0 of 4 stars; one submission).

Conditions:
MUC16-related disorder. Also called: MUC16-related condition.

Submission:

PreventionGenetics, part of Exact Sciences
Classification: Likely benign for MUC16-related condition. Last evaluated: 2019-10-17. Review status: no assertion criteria provided. Collection method: clinical testing. Allele origin: germline.
Comment: This variant is classified as likely benign based on ACMG/AMP sequence variant interpretation guidelines (Richards et al. 2015 PMID: 25741868, with internal and published modifications).

NM_001401501.2(MUC16):c.37758T>G (p.Leu12586=)

Gene: MUC16 (mucin 16, cell surface associated; minus strand). Cytogenetic location: 19p13.2.
Variant type: single nucleotide variant.
Coding change: c.37758T>G on transcript NM_001401501.2 (MANE Select); coding-DNA position 37758, T replaced by G.
Protein change: p.Leu12586=; no amino-acid change (leucine 12586 retained).
Molecular consequence: synonymous variant.
Genome position (GRCh38, 1-based): chr19:8,908,639, A>C on the plus strand (T>G on the coding strand, the complement: MUC16 is on the minus strand). VCF-style: chr19-8908639-A-C. GRCh37 (hg19) VCF-style: chr19-9019315-A-C.
Other names: c.38184T>G, p.Leu12728= (NM_001414686.1); c.37638T>G, p.Leu12546= (NM_001414687.1); c.37572T>G, p.Leu12524= (NM_024690.2).
Identifiers: ClinVar variation 3055546 (VCV003055546.2), dbSNP rs796746912, ClinGen allele CA305027531.